The following is an entry in ClinVar:

ClinVar aggregate classification (germline): Uncertain significance (1 of 4 stars; one submission).

Allele frequency attached by ClinVar (database versions not stated): TOPMed 0.00003.

Submission:

Labcorp Genetics (formerly Invitae), Labcorp
Classification: Uncertain significance. Last evaluated: 2021-07-17. Review status: criteria provided, single submitter. Criteria: Invitae Variant Classification Sherloc (09022015). Collection method: clinical testing. Allele origin: germline.
Comment: In summary, the available evidence is currently insufficient to determine the role of this variant in disease. Therefore, it has been classified as a Variant of Uncertain Significance. Algorithms developed to predict the effect of missense changes on protein structure and function (SIFT, PolyPhen-2, Align-GVGD) all suggest that this variant is likely to be tolerated. This variant has not been reported in the literature in individuals affected with KANK1-related conditions. This variant is not present in population databases (ExAC no frequency). This sequence change replaces serine with cysteine at codon 729 of the KANK1 protein (p.Ser729Cys). The serine residue is moderately conserved and there is a moderate physicochemical difference between serine and cysteine.

NM_015158.5(KANK1):c.2186C>G (p.Ser729Cys)

Gene: KANK1 (KN motif and ankyrin repeat domains 1; plus strand). Cytogenetic location: 9p24.3.
Variant type: single nucleotide variant.
Coding change: c.2186C>G on transcript NM_015158.5 (MANE Select); coding-DNA position 2186, C replaced by G.
Protein change: p.Ser729Cys; replaces serine 729 with cysteine.
Molecular consequence: missense variant. On other transcripts: non-coding transcript variant (1).
Genome position (GRCh38, 1-based): chr9:712,952, C>G. VCF-style: chr9-712952-C-G. GRCh37 (hg19) VCF-style: chr9-712952-C-G.
Other names: c.2186C>G, p.Ser729Cys (NM_001256876.3, NM_001256877.3, NM_001354331.2 and 2 more transcripts); c.1712C>G, p.Ser571Cys (NM_001354333.2, NM_001354335.2, NM_001354336.2 and 9 more transcripts); short protein forms S571C, S729C.
Identifiers: ClinVar variation 1368327 (VCV001368327.8), dbSNP rs981509179, ClinGen allele CA187838121.